The following is an entry in ClinVar:

ClinVar aggregate classification (germline): Uncertain significance. Review status: criteria provided, multiple submitters, no conflicts (2 of 4 stars). 2 submissions from 2 submitters: Uncertain significance (2). Last evaluated 2024-02-20.

Allele frequency attached by ClinVar (database versions not stated): gnomAD exomes below 0.00001 and 0.00001; TOPMed below 0.00001; ExAC 0.00001; gnomAD 0.00001.
gnomAD v4.1: 11 of 1,613,684 alleles (0.00068%); highest among the groups gnomAD compares: African/African-American, 0.0027%; no homozygotes.

Submissions (2):

Ambry Genetics
Classification: Uncertain significance. Last evaluated: 2024-02-20. Review status: criteria provided, single submitter. Criteria: Ambry Variant Classification Scheme 2023. Collection method: clinical testing. Allele origin: germline.
Comment: The p.L224V variant (also known as c.670C>G), located in coding exon 5 of the RINT1 gene, results from a C to G substitution at nucleotide position 670. The leucine at codon 224 is replaced by valine, an amino acid with highly similar properties. This amino acid position is conserved. In addition, this alteration is predicted to be tolerated by in silico analysis. Since supporting evidence is limited at this time, the clinical significance of this alteration remains unclear.

Labcorp Genetics (formerly Invitae), Labcorp
Classification: Uncertain significance. Last evaluated: 2019-04-19. Review status: criteria provided, single submitter. Criteria: Invitae Variant Classification Sherloc (09022015). Collection method: clinical testing. Allele origin: germline.
Comment: This variant has not been reported in the literature in individuals with RINT1-related conditions. In summary, the available evidence is currently insufficient to determine the role of this variant in disease. Therefore, it has been classified as a Variant of Uncertain Significance. Algorithms developed to predict the effect of missense changes on protein structure and function are either unavailable or do not agree on the potential impact of this missense change (SIFT: "Tolerated"; PolyPhen-2: "Benign"; Align-GVGD: "Class C0"). This variant is present in population databases (rs771733562, ExAC 0.002%). This sequence change replaces leucine with valine at codon 224 of the RINT1 protein (p.Leu224Val). The leucine residue is highly conserved and there is a small physicochemical difference between leucine and valine.

NM_021930.6(RINT1):c.670C>G (p.Leu224Val)

Gene: RINT1 (RAD50 interactor 1; plus strand). Cytogenetic location: 7q22.3.
Variant type: single nucleotide variant.
Coding change: c.670C>G on transcript NM_021930.6 (MANE Select); coding-DNA position 670, C replaced by G.
Protein change: p.Leu224Val; replaces leucine 224 with valine.
Molecular consequence: missense variant. On other transcripts: 5 prime UTR variant (2), non-coding transcript variant (1), intron variant (1).
Genome position (GRCh38, 1-based): chr7:105,547,064, C>G. VCF-style: chr7-105547064-C-G. GRCh37 (hg19) VCF-style: chr7-105187511-C-G.
Other names: c.436C>G, p.Leu146Val (NM_001346599.2); c.-350C>G (NM_001346600.2); c.-253C>G (NM_001346601.2); c.-27-2991C>G (NM_001346603.2); short protein forms L224V, L146V.
Identifiers: ClinVar variation 840055 (VCV000840055.12), dbSNP rs771733562, ClinGen allele CA4426485.